The following is an entry in ClinVar:

ClinVar aggregate classification (germline): Likely benign (1 of 4 stars; one submission).

Allele frequency attached by ClinVar (database versions not stated): 1000 Genomes Project 0.00020; gnomAD 0.00023; ExAC 0.00025; TOPMed 0.00027; ESP Exome Variant Server 0.00031; gnomAD exomes 0.00034; 1000 Genomes Project 30x 0.00047.
gnomAD v4.1: 539 of 1,614,200 alleles (0.033%); highest among the groups gnomAD compares: Middle Eastern, 0.53%; 1 homozygote.

Submission:

CeGaT Center for Human Genetics Tuebingen
Classification: Likely benign. Last evaluated: 2026-07-01. Review status: criteria provided, single submitter. Criteria: CeGaT Center For Human Genetics Tuebingen Variant Classification Criteria Version 2. Collection method: clinical testing. Allele origin: germline. Affected: yes. Observed: 2 variant alleles.
Comment: ADARB1: BP4, BP7

NM_001112.4(ADARB1):c.723C>T (p.Asn241=)

Gene: ADARB1 (adenosine deaminase RNA specific B1; plus strand). Cytogenetic location: 21q22.3.
Variant type: single nucleotide variant.
Coding change: c.723C>T on transcript NM_001112.4 (MANE Select); coding-DNA position 723, C replaced by T.
Protein change: p.Asn241=; no amino-acid change (asparagine 241 retained).
Molecular consequence: synonymous variant. On other transcripts: non-coding transcript variant (4).
Genome position (GRCh38, 1-based): chr21:45,176,424, C>T. VCF-style: chr21-45176424-C-T. GRCh37 (hg19) VCF-style: chr21-46596339-C-T.
Other names: c.723C>T, p.Asn241= (NM_001160230.2, NM_001346688.2, NM_015833.4 and 1 more transcripts); c.870C>T, p.Asn290= (NM_001346687.2, NM_001410722.1).
Identifiers: ClinVar variation 2652784 (VCV002652784.24), dbSNP rs139706517, ClinGen allele CA10064170.